The following is an entry in ClinVar:

ClinVar aggregate classification (germline): Uncertain significance (1 of 4 stars; one submission).

Submission:

Labcorp Genetics (formerly Invitae), Labcorp
Classification: Uncertain significance. Last evaluated: 2025-06-02. Review status: criteria provided, single submitter. Criteria: Invitae Variant Classification Sherloc (09022015). Collection method: clinical testing. Allele origin: germline.
Comment: This sequence change replaces isoleucine, which is neutral and non-polar, with methionine, which is neutral and non-polar, at codon 662 of the ABCB7 protein (p.Ile662Met). This variant is not present in population databases (gnomAD no frequency). This variant has not been reported in the literature in individuals affected with ABCB7-related conditions. An algorithm developed to predict the effect of missense changes on protein structure and function (PolyPhen-2) suggests that this variant is likely to be disruptive. In summary, the available evidence is currently insufficient to determine the role of this variant in disease. Therefore, it has been classified as a Variant of Uncertain Significance.

NM_001271696.3(ABCB7):c.1983T>G (p.Ile661Met)

Gene: ABCB7 (ATP binding cassette subfamily B member 7; minus strand). Cytogenetic location: Xq13.3.
Variant type: single nucleotide variant.
Coding change: c.1983T>G on transcript NM_001271696.3 (MANE Select); coding-DNA position 1983, T replaced by G.
Protein change: p.Ile661Met; replaces isoleucine 661 with methionine.
Molecular consequence: missense variant.
Genome position (GRCh38, 1-based): chrX:75,060,283, A>C on the plus strand (T>G on the coding strand, the complement: ABCB7 is on the minus strand). VCF-style: chrX-75060283-A-C. GRCh37 (hg19) VCF-style: chrX-74280118-A-C.
Other names: c.1863T>G, p.Ile621Met (NM_001271697.3); c.1905T>G, p.Ile635Met (NM_001271698.3); c.1866T>G, p.Ile622Met (NM_001271699.3); c.1986T>G, p.Ile662Met (NM_004299.6); short protein forms I635M, I661M, I621M, I622M, I662M.
Identifiers: ClinVar variation 4717471 (VCV004717471.1).
Genomic context (GRCh38, chrX:75,060,283, plus strand): 5'-CTGATCCAAGACAATGATTTCATCTGCATCAACCACTGTTGACAATCTGTGTGCAATGAA[A>C]ATAGAAGTTCTGTGTTTGACCACATCCTTCATGGCACCAAGAATAGTCTGCAAGTTTGGT-3'
Protein context (NP_001258625.1, residues 651-671): MKDVVKHRTS[Ile661Met]FIAHRLSTVV